The following is an entry in ClinVar:

ClinVar aggregate classification (germline): Uncertain significance (1 of 4 stars; one submission).

Submission:

GeneDx
Classification: Uncertain significance. Last evaluated: 2026-04-17. Review status: criteria provided, single submitter. Criteria: GeneDx Variant Classification Process June 2021. Collection method: clinical testing. Allele origin: germline.
Comment: Not observed at significant frequency in large population cohorts (gnomAD); In silico analysis supports that this missense variant has a deleterious effect on protein structure/function; Has not been previously published as pathogenic or benign to our knowledge

NM_006005.3(WFS1):c.2519T>C (p.Phe840Ser)

Gene: WFS1 (wolframin ER transmembrane glycoprotein; plus strand). Cytogenetic location: 4p16.1.
Variant type: single nucleotide variant.
Coding change: c.2519T>C on transcript NM_006005.3 (MANE Select); coding-DNA position 2519, T replaced by C.
Protein change: p.Phe840Ser; replaces phenylalanine 840 with serine.
Molecular consequence: missense variant.
Genome position (GRCh38, 1-based): chr4:6,302,314, T>C. VCF-style: chr4-6302314-T-C. GRCh37 (hg19) VCF-style: chr4-6304041-T-C.
Other names: c.2519T>C, p.Phe840Ser (NM_001145853.1); short protein forms F840S.
Identifiers: ClinVar variation 5037160 (VCV005037160.1).